The following is an entry in ClinVar:

NM_138420.4(AHNAK2):c.12462G>C (p.Ala4154=)

Gene: AHNAK2 (AHNAK nucleoprotein 2; minus strand). Cytogenetic location: 14q32.33.
Variant type: single nucleotide variant.
Coding change: c.12462G>C on transcript NM_138420.4 (MANE Select); coding-DNA position 12462, G replaced by C.
Protein change: p.Ala4154=; no amino-acid change (alanine 4154 retained).
Molecular consequence: synonymous variant.
Genome position (GRCh38, 1-based): chr14:104,942,989, C>G on the plus strand (G>C on the coding strand, the complement: AHNAK2 is on the minus strand). VCF-style: chr14-104942989-C-G. GRCh37 (hg19) VCF-style: chr14-105409326-C-G.
Other names: c.12162G>C, p.Ala4054= (NM_001350929.2).
Identifiers: ClinVar variation 3388506 (VCV003388506.14).

ClinVar aggregate classification (germline): Likely benign (1 of 4 stars; one submission).

Submission:

CeGaT Center for Human Genetics Tuebingen
Classification: Likely benign. Last evaluated: 2025-04-01. Review status: criteria provided, single submitter. Criteria: CeGaT Center For Human Genetics Tuebingen Variant Classification Criteria Version 2. Collection method: clinical testing. Allele origin: germline. Affected: yes. Observed: 2 variant alleles.
Comment: AHNAK2: BP4, BP7